The following is an entry in ClinVar:

NM_002890.3(RASA1):c.957G>A (p.Trp319Ter)

Genes: CCNH (cyclin H; minus strand), RASA1 (RAS p21 protein activator 1; plus strand). Cytogenetic location: 5q14.3.
Variant type: single nucleotide variant.
Coding change: c.957G>A on transcript NM_002890.3 (MANE Select); coding-DNA position 957, G replaced by A.
Protein change: p.Trp319Ter; replaces tryptophan 319 with a stop codon.
Molecular consequence: nonsense. On other transcripts: intron variant (1).
Genome position (GRCh38, 1-based): chr5:87,338,031, G>A. VCF-style: chr5-87338031-G-A. GRCh37 (hg19) VCF-style: chr5-86633848-G-A.
Other names: c.426G>A, p.Trp142Ter (NM_022650.3); c.934-25236C>T (NM_001364075.2); short protein forms W142*, W319*.
Identifiers: ClinVar variation 2734736 (VCV002734736.3), dbSNP rs2531212404, ClinGen allele CA360380816.
Genomic context (GRCh38, chr5:87,338,031, plus strand): 5'-CAGTTTCTTAAAAGGAGATATGTTCATTGTTCATAATGAATTAGAAGATGGATGGATGTG[G>A]GTTACAAATTTAAGAACAGATGAACAAGGCCTTATTGTTGAAGACCTAGTAGAAGAGGTG-3'

ClinVar aggregate classification (germline): Pathogenic (1 of 4 stars; one submission).

Conditions:
Capillary malformation-arteriovenous malformation syndrome. Also called: Capillary malformation-arteriovenous malformation. Identifiers: Orphanet 137667, MedGen C1842180, MONDO:0012016.

Submission:

Labcorp Genetics (formerly Invitae), Labcorp
Classification: Pathogenic for Capillary malformation-arteriovenous malformation syndrome. Last evaluated: 2023-12-29. Review status: criteria provided, single submitter. Criteria: Invitae Variant Classification Sherloc (09022015). Collection method: clinical testing. Allele origin: germline.
Comment: This sequence change creates a premature translational stop signal (p.Trp319*) in the RASA1 gene. It is expected to result in an absent or disrupted protein product. Loss-of-function variants in RASA1 are known to be pathogenic (PMID: 24038909). This variant is not present in population databases (gnomAD no frequency). This premature translational stop signal has been observed in individual(s) with capillary malformation-arteriovenous malformation (PMID: 18446851). For these reasons, this variant has been classified as Pathogenic.

Literature cited by the submitters: PubMed 24038909; PubMed 18446851.